The following is an entry in ClinVar:

ClinVar aggregate classification (germline): Uncertain significance (1 of 4 stars; one submission).

Conditions:
Candidiasis, familial, 8 (CANDF8). Identifiers: Orphanet 1334, MedGen C3714992, MONDO:0014230, OMIM 615527.

gnomAD v4.1: 2 of 1,486,336 alleles (0.00013%); highest among the groups gnomAD compares: Admixed American, 0.0023%; no homozygotes.

Submission:

Labcorp Genetics (formerly Invitae), Labcorp
Classification: Uncertain significance for Candidiasis, familial, 8. Last evaluated: 2024-07-31. Review status: criteria provided, single submitter. Criteria: Invitae Variant Classification Sherloc (09022015). Collection method: clinical testing. Allele origin: germline.
Comment: This sequence change replaces aspartic acid, which is acidic and polar, with tyrosine, which is neutral and polar, at codon 272 of the TRAF3IP2 protein (p.Asp272Tyr). This variant is not present in population databases (gnomAD no frequency). This variant has not been reported in the literature in individuals affected with TRAF3IP2-related conditions. ClinVar contains an entry for this variant (Variation ID: 1423540). Advanced modeling of protein sequence and biophysical properties (such as structural, functional, and spatial information, amino acid conservation, physicochemical variation, residue mobility, and thermodynamic stability) performed at Invitae indicates that this missense variant is not expected to disrupt TRAF3IP2 protein function with a negative predictive value of 80%. In summary, the available evidence is currently insufficient to determine the role of this variant in disease. Therefore, it has been classified as a Variant of Uncertain Significance.

NM_147686.4(TRAF3IP2):c.814G>T (p.Asp272Tyr)

Genes: TRAF3IP2 (TRAF3 interacting protein 2; minus strand), TRAF3IP2-AS1 (TRAF3IP2 antisense RNA 1; plus strand), LOC114803478 (TRAF3IP2 eExon liver enhancer; plus strand). Cytogenetic location: 6q21.
Variant type: single nucleotide variant.
Coding change: c.814G>T on transcript NM_147686.4 (MANE Select); coding-DNA position 814, G replaced by T.
Protein change: p.Asp272Tyr; replaces aspartic acid 272 with tyrosine.
Molecular consequence: missense variant.
Genome position (GRCh38, 1-based): chr6:111,591,273, C>A on the plus strand (G>T on the coding strand, the complement: TRAF3IP2 is on the minus strand). VCF-style: chr6-111591273-C-A. GRCh37 (hg19) VCF-style: chr6-111912476-C-A.
Other names: c.814G>T, p.Asp272Tyr (NM_001164281.3); c.841G>T, p.Asp281Tyr (NM_147200.3); short protein forms D272Y, D281Y.
Identifiers: ClinVar variation 1423540 (VCV001423540.8), dbSNP rs757470698, ClinGen allele CA365365580.
Genomic context (GRCh38, chr6:111,591,273, plus strand): 5'-CAGTCACCCAGCCCAGAATGCCCAGAGGAGGTAAAGATCACTTACATGGCACCTGGTGAT[C>A]GGGACTTCCAGGACAATGGTAATGATAGTTCCATGGAGCATGTGGGGAAAGATTGGGAGG-3'
Protein context (NP_679211.2, residues 262-282): NYHYHCPGSP[Asp272Tyr]HQVPYGHDYP